The following is an entry in ClinVar:

ClinVar aggregate classification (germline): Uncertain significance. Review status: criteria provided, multiple submitters, no conflicts (2 of 4 stars). 3 submissions from 3 submitters: Uncertain significance (3). Last evaluated 2025-04-09.

Conditions:
Hereditary cancer-predisposing syndrome. Also called: Neoplastic Syndromes, Hereditary; Hereditary Cancer Syndrome; Hereditary neoplastic syndrome; Tumor predisposition. Identifiers: Orphanet 140162, MedGen C0027672, MeSH D009386, MONDO:0015356.
Endometrial carcinoma. Also called: Endometrial carcinoma, somatic. Identifiers: MedGen C0476089, MONDO:0002447, OMIM 608089, HP:0012114.
Familial adenomatous polyposis 4 (FAP4). Also called: MSH3-related attenuated familial adenomatous polyposis. Identifiers: Orphanet 480536, MedGen C4310719, MONDO:0044300, OMIM 617100.

gnomAD v4.1: 1 of 1,614,204 alleles (0.000062%); highest among the groups gnomAD compares: Non-Finnish European, 0.000085%; no homozygotes.

Submissions (3):

Labcorp Genetics (formerly Invitae), Labcorp
Classification: Uncertain significance. Last evaluated: 2025-04-09. Review status: criteria provided, single submitter. Criteria: Invitae Variant Classification Sherloc (09022015). Collection method: clinical testing. Allele origin: germline.
Comment: This sequence change replaces glycine, which is neutral and non-polar, with glutamic acid, which is acidic and polar, at codon 114 of the MSH3 protein (p.Gly114Glu). This variant is not present in population databases (gnomAD no frequency). This variant has not been reported in the literature in individuals affected with MSH3-related conditions. ClinVar contains an entry for this variant (Variation ID: 1061296). An algorithm developed to predict the effect of missense changes on protein structure and function (PolyPhen-2) suggests that this variant is likely to be tolerated. In summary, the available evidence is currently insufficient to determine the role of this variant in disease. Therefore, it has been classified as a Variant of Uncertain Significance.

Ambry Genetics
Classification: Uncertain significance for Hereditary cancer-predisposing syndrome. Last evaluated: 2024-06-09. Review status: criteria provided, single submitter. Criteria: Ambry Variant Classification Scheme 2023. Collection method: clinical testing. Allele origin: germline.
Comment: The p.G114E variant (also known as c.341G>A), located in coding exon 2 of the MSH3 gene, results from a G to A substitution at nucleotide position 341. The glycine at codon 114 is replaced by glutamic acid, an amino acid with similar properties. This amino acid position is conserved. In addition, this alteration is predicted to be tolerated by in silico analysis. Based on the available evidence, the clinical significance of this variant remains unclear.

Department of Pathology and Laboratory Medicine, Sinai Health System
Classification: Uncertain significance for Endometrial carcinoma; Familial adenomatous polyposis 4. Last evaluated: 2024-04-12. Review status: criteria provided, single submitter. Criteria: ACMG Guidelines, 2015. Collection method: clinical testing. Allele origin: germline. Affected: no.

NM_002439.5(MSH3):c.341G>A (p.Gly114Glu)

Gene: MSH3 (mutS homolog 3; plus strand). Cytogenetic location: 5q14.1.
Variant type: single nucleotide variant.
Coding change: c.341G>A on transcript NM_002439.5 (MANE Select); coding-DNA position 341, G replaced by A.
Protein change: p.Gly114Glu; replaces glycine 114 with glutamic acid.
Molecular consequence: missense variant.
Genome position (GRCh38, 1-based): chr5:80,656,514, G>A. VCF-style: chr5-80656514-G-A. GRCh37 (hg19) VCF-style: chr5-79952333-G-A.
Other names: c.341G>A (NM_002439.3, NM_002439.4); short protein forms G114E.
Identifiers: ClinVar variation 1061296 (VCV001061296.11), dbSNP rs2112801843, ClinGen allele CA360266541.
Genomic context (GRCh38, chr5:80,656,514, plus strand): 5'-ATGGGCCTGTTAAAAAGAAAGTAAAGAAAGTCCAACAAAAGGAAGGAGGAAGTGATCTGG[G>A]AATGTCTGGCAACTCTGGTGAGTTGTGGGGGATTCTTTTTTCTCCTCAGTCATGGCTCTG-3'
Protein context (NP_002430.3, residues 104-124): VQQKEGGSDL[Gly114Glu]MSGNSEPKKC